The following is an entry in ClinVar:

ClinVar aggregate classification (germline): Pathogenic (1 of 4 stars; one submission).

Submission:

Labcorp Genetics (formerly Invitae), Labcorp
Classification: Pathogenic. Last evaluated: 2021-09-05. Review status: criteria provided, single submitter. Criteria: Invitae Variant Classification Sherloc (09022015). Collection method: clinical testing. Allele origin: germline.
Comment: This sequence change replaces glycine with glutamic acid at codon 589 of the CSF1R protein (p.Gly589Glu). The glycine residue is highly conserved and there is a moderate physicochemical difference between glycine and glutamic acid. This variant is not present in population databases (ExAC no frequency). This missense change has been observed in individuals with autosomal dominant hereditary diffuse leukoencephalopathy (PMID: 22197934, 30528841). It has also been observed to segregate with disease in related individuals. ClinVar contains an entry for this variant (Variation ID: 38373). Advanced modeling of protein sequence and biophysical properties (such as structural, functional, and spatial information, amino acid conservation, physicochemical variation, residue mobility, and thermodynamic stability) performed at Invitae indicates that this missense variant is expected to disrupt CSF1R protein function. Experimental studies have shown that this missense change affects CSF1R function (PMID: 24120500). This variant disrupts the p.Gly589 amino acid residue in CSF1R. Other variant(s) that disrupt this residue have been observed in individuals with CSF1R-related conditions (PMID: 28824062), which suggests that this may be a clinically significant amino acid residue. For these reasons, this variant has been classified as Pathogenic.

Literature cited by the submitters: PubMed 22197934; PubMed 30528841; PubMed 24120500; PubMed 28824062.

NM_001288705.3(CSF1R):c.1766G>A (p.Gly589Glu)

Gene: CSF1R (colony stimulating factor 1 receptor; minus strand). Cytogenetic location: 5q32.
Variant type: single nucleotide variant.
Coding change: c.1766G>A on transcript NM_001288705.3 (MANE Select); coding-DNA position 1766, G replaced by A.
Protein change: p.Gly589Glu; replaces glycine 589 with glutamic acid.
Molecular consequence: missense variant. On other transcripts: non-coding transcript variant (2).
Genome position (GRCh38, 1-based): chr5:150,061,583, C>T on the plus strand (G>A on the coding strand, the complement: CSF1R is on the minus strand). VCF-style: chr5-150061583-C-T. GRCh37 (hg19) VCF-style: chr5-149441146-C-T.
Other names: c.1766G>A, p.Gly589Glu (NM_001349736.2, NM_001375320.1, NM_005211.4); c.1322G>A, p.Gly441Glu (NM_001375321.1); short protein forms G589E, G441E.
Identifiers: ClinVar variation 38373 (VCV000038373.9), dbSNP rs281860268, ClinGen allele CA343005.
Genomic context (GRCh38, chr5:150,061,583, plus strand): 5'-GCATCCTCCTTGCCCAGACCAAAGGCCGTGGCCTCCACCACCTTCCCAAAGGCTCCAGCT[C>T]CGAGGGTCTTACCTGCCACGCACACAGGTCCCTTAAGTCCCTGGGCACCAAAGGGCCTCT-3'
Protein context (NP_001275634.1, residues 579-599): RNNLQFGKTL[Gly589Glu]AGAFGKVVEA